The following is an entry in ClinVar:

ClinVar aggregate classification (germline): Uncertain significance (1 of 4 stars; one submission).

Conditions:
Epilepsy, familial focal, with variable foci 3 (FFEVF3). Identifiers: MedGen C4310708, MONDO:0014925, OMIM 617118.

Submission:

Labcorp Genetics (formerly Invitae), Labcorp
Classification: Uncertain significance for Epilepsy, familial focal, with variable foci 3. Last evaluated: 2019-10-08. Review status: criteria provided, single submitter. Criteria: Invitae Variant Classification Sherloc (09022015). Collection method: clinical testing. Allele origin: germline.
Comment: This sequence change replaces leucine with proline at codon 261 of the NPRL3 protein (p.Leu261Pro). The leucine residue is highly conserved and there is a moderate physicochemical difference between leucine and proline. This variant is not present in population databases (ExAC no frequency). This variant has not been reported in the literature in individuals with NPRL3-related conditions. Algorithms developed to predict the effect of missense changes on protein structure and function are either unavailable or do not agree on the potential impact of this missense change (SIFT: "Deleterious"; PolyPhen-2: "Not Available"; Align-GVGD: "Class C0"). In summary, the available evidence is currently insufficient to determine the role of this variant in disease. Therefore, it has been classified as a Variant of Uncertain Significance.

NM_001077350.3(NPRL3):c.782T>C (p.Leu261Pro)

Genes: HBA-LCR (alpha-globin locus control region; plus strand), NPRL3 (NPR3 like, GATOR1 complex subunit; minus strand). Cytogenetic location: 16p13.3.
Variant type: single nucleotide variant.
Coding change: c.782T>C on transcript NM_001077350.3 (MANE Select); coding-DNA position 782, T replaced by C.
Protein change: p.Leu261Pro; replaces leucine 261 with proline.
Molecular consequence: missense variant.
Genome position (GRCh38, 1-based): chr16:98,287, A>G on the plus strand (T>C on the coding strand, the complement: NPRL3 is on the minus strand). VCF-style: chr16-98287-A-G. GRCh37 (hg19) VCF-style: chr16-148285-A-G.
Other names: c.245T>C, p.Leu82Pro (NM_001039476.3); c.548T>C, p.Leu183Pro (NM_001243247.2); c.707T>C, p.Leu236Pro (NM_001243248.2, NM_001243249.2); short protein forms L183P, L82P, L261P, L236P.
Identifiers: ClinVar variation 943048 (VCV000943048.8), dbSNP rs1899109340, ClinGen allele CA394055833.